The following is an entry in ClinVar:

ClinVar aggregate classification (germline): Uncertain significance (1 of 4 stars; one submission).

Conditions:
Bethlem myopathy 1A. Also called: Bethlem myopathy 1; Bethlem Muscular Dystrophy; MYOPATHY, BENIGN CONGENITAL, WITH CONTRACTURES. Identifiers: Orphanet 610, MedGen CN029274, MONDO:0024530, OMIM 158810.

Allele frequency attached by ClinVar (database versions not stated): TOPMed below 0.00001.

Submission:

Labcorp Genetics (formerly Invitae), Labcorp
Classification: Uncertain significance for Bethlem myopathy 1A. Last evaluated: 2021-10-18. Review status: criteria provided, single submitter. Criteria: Invitae Variant Classification Sherloc (09022015). Collection method: clinical testing. Allele origin: germline.
Comment: This sequence change replaces glutamic acid with valine at codon 149 of the COL6A1 protein (p.Glu149Val). The glutamic acid residue is highly conserved and there is a moderate physicochemical difference between glutamic acid and valine. In summary, the available evidence is currently insufficient to determine the role of this variant in disease. Therefore, it has been classified as a Variant of Uncertain Significance. Algorithms developed to predict the effect of sequence changes on RNA splicing suggest that this variant may create or strengthen a splice site. Algorithms developed to predict the effect of missense changes on protein structure and function are either unavailable or do not agree on the potential impact of this missense change (SIFT: "Deleterious"; PolyPhen-2: "Not Available"; Align-GVGD: "Class C0"). This variant has not been reported in the literature in individuals affected with COL6A1-related conditions. This variant is not present in population databases (ExAC no frequency).

NM_001848.3(COL6A1):c.446A>T (p.Glu149Val)

Gene: COL6A1 (collagen type VI alpha 1 chain; plus strand). Cytogenetic location: 21q22.3.
Variant type: single nucleotide variant.
Coding change: c.446A>T on transcript NM_001848.3 (MANE Select); coding-DNA position 446, A replaced by T.
Protein change: p.Glu149Val; replaces glutamic acid 149 with valine.
Molecular consequence: missense variant.
Genome position (GRCh38, 1-based): chr21:45,986,543, A>T. VCF-style: chr21-45986543-A-T. GRCh37 (hg19) VCF-style: chr21-47406457-A-T.
Other names: short protein forms E149V.
Identifiers: ClinVar variation 1387801 (VCV001387801.6), dbSNP rs2077739763, ClinGen allele CA410517695.
Genomic context (GRCh38, chr21:45,986,543, plus strand): 5'-CCCCACCTAGTCTCGAGGTCTCACGCTGCCCTCTCCTGTCCAGGGGCTCCCACCTGAAGG[A>T]GAATAAGTACCTGATTGTGGTGACCGACGGGCACCCCCTGGAGGGCTACAAGGAACCCTG-3'
Protein context (NP_001839.2, residues 139-159): QLLVGGSHLK[Glu149Val]NKYLIVVTDG